The following is an entry in ClinVar:

NM_003482.4(KMT2D):c.3691del (p.Asp1231fs)

Genes: KMT2D (lysine methyltransferase 2D; minus strand), LOC126861520 (CDK7 strongly-dependent group 2 enhancer GRCh37_chr12:49442744-49443943; plus strand). Cytogenetic location: 12q13.12.
Variant type: Deletion.
Coding change: c.3691del on transcript NM_003482.4 (MANE Select); coding-DNA position 3691, one base deleted (G; older notation c.3691delG).
Protein change: p.Asp1231fs; shifts the reading frame from aspartic acid 1231.
Molecular consequence: frameshift variant.
Genome position (GRCh38, 1-based): chr12:49,049,897, C deleted on the plus strand (G on the coding strand, the reverse complement: KMT2D is on the minus strand). VCF-style (leftmost placement, unchanged base first): chr12-49049896-TC-T. GRCh37 (hg19) VCF-style: chr12-49443679-TC-T.
Other names: short protein forms D1231fs.
Identifiers: ClinVar variation 4292822 (VCV004292822.1).

ClinVar aggregate classification (germline): Likely pathogenic (1 of 4 stars; one submission).

Conditions:
Kabuki syndrome 1 (KABUK1). Also called: KMT2D-Related Kabuki Syndrome. Identifiers: Orphanet 2322, MedGen CN030661, MONDO:0007843, OMIM 147920.

Submission:

3billion
Classification: Likely pathogenic for Kabuki syndrome 1. Last evaluated: 2024-11-19. Review status: criteria provided, single submitter. Criteria: ACMG Guidelines, 2015. Collection method: clinical testing. Allele origin: germline. Affected: yes.
Comment: The variant is not observed in the gnomAD v4.1.0 dataset. Predicted Consequence/Location: Frameshift: predicted to result in a loss or disruption of normal protein function through nonsense-mediated decay (NMD) or protein truncation. Multiple pathogenic variants are reported downstream of the variant. Therefore, this variant is classified as Likely pathogenic according to the recommendation of ACMG/AMP guideline.